The following continues an entry in ClinVar:

NM_000487.6(ARSA):c.1283C>T (p.Pro428Leu)

Gene: ARSA. ClinVar aggregate classification (germline): Pathogenic. Pathogenic (24).

Submissions 11 to 37 of 37:

Institute of Medical Genetics and Applied Genomics, University Hospital Tübingen
Classification: Pathogenic for Metachromatic leukodystrophy. Last evaluated: 2024-09-26. Review status: criteria provided, single submitter. Criteria: ACMG Guidelines, 2015. Collection method: clinical testing. Allele origin: germline. Inheritance: Autosomal recessive inheritance. Affected: yes.
Comment: Detected in trans with another pathogenic variant

Centre of Medical Genetics, University Hospital Muenster
Classification: Pathogenic. Last evaluated: 2024-09-24. Review status: criteria provided, single submitter. Criteria: ACMG Guidelines, 2015. Collection method: clinical testing. Allele origin: unknown. Affected: yes. Observed: 1 variant allele, 1 heterozygote.
Comment: ACMG categories: PS3,PS4,PM1,PM2_sup,PP3

Blueprint Genetics
Classification: Pathogenic for ARSA-related disorders. Last evaluated: 2024-08-29. Review status: criteria provided, single submitter. Criteria: ACMG Guidelines, 2015. Collection method: clinical testing. Allele origin: germline. Affected: yes. Observed: 5 variant alleles.

Fulgent Genetics
Classification: Pathogenic for Metachromatic leukodystrophy. Last evaluated: 2024-03-11. Review status: criteria provided, single submitter. Criteria: ACMG Guidelines, 2015. Collection method: clinical testing. Allele origin: germline.

Institute of Human Genetics, University of Leipzig Medical Center
Classification: Pathogenic for Metachromatic leukodystrophy. Last evaluated: 2022-10-10. Review status: criteria provided, single submitter. Criteria: ACMG Guidelines, 2015. Collection method: clinical testing. Allele origin: inherited. Inheritance: Autosomal recessive inheritance. Affected: yes.

MGZ Medical Genetics Center
Classification: Pathogenic for Metachromatic leukodystrophy. Last evaluated: 2022-08-03. Review status: criteria provided, single submitter. Criteria: ACMG Guidelines, 2015. Collection method: clinical testing. Allele origin: germline. Affected: yes. Observed: 1 variant allele.
Comment: ACMG criteria applied: PS4, PS3_MOD, PM3, PM2_SUP, PP3

Revvity Omics, Revvity
Classification: Pathogenic for Metachromatic leukodystrophy. Last evaluated: 2022-06-03. Review status: criteria provided, single submitter. Criteria: ACMG Guidelines, 2015. Collection method: clinical testing. Allele origin: germline.

Department of Human Genetics, Hannover Medical School
Classification: Pathogenic for Metachromatic leukodystrophy. Last evaluated: 2022-01-10. Review status: criteria provided, single submitter. Criteria: ACMG Guidelines, 2015. Collection method: clinical testing. Allele origin: germline. Inheritance: Autosomal recessive inheritance. Affected: yes.

GeneDx
Classification: Pathogenic. Last evaluated: 2020-03-18. Review status: criteria provided, single submitter. Criteria: GeneDx Variant Classification Process June 2021. Collection method: clinical testing. Allele origin: germline. Affected: yes.
Comment: In silico analysis, which includes protein predictors and evolutionary conservation, supports a deleterious effect; Previously reported as P426L due to the use of alternate nomenclature; This variant is associated with the following publications: (PMID: 7866401, 8095918, 18786133, 1670590, 26462614, 29413149, 29915382, 31186049, 31980526)

Myriad Genetics, Inc.
Classification: Pathogenic for Metachromatic leukodystrophy. Last evaluated: 2019-11-12. Review status: criteria provided, single submitter. Criteria: Myriad Women's Health Autosomal Recessive and X-Linked Classification Criteria (2019). Collection method: clinical testing. Allele origin: unknown.
Comment: NM_000487.5(ARSA):c.1283C>T(P428L) is classified as pathogenic in the context of metachromatic leukodystrophy. Please note that the P428L variant is associated with the juvenile or adult form of this disease. Sources cited for classification include the following: PMID 8095918, 20339381, 11777924 and 1670590. Classification of NM_000487.5(ARSA):c.1283C>T(P428L) is based on the following criteria: This is a well-established pathogenic variant in the literature that has been observed more frequently in patients with clinical diagnoses than in healthy populations. Please note: this variant was assessed in the context of healthy population screening.

Women's Health and Genetics/Laboratory Corporation of America, LabCorp
Classification: Pathogenic for Metachromatic leukodystrophy. Last evaluated: 2019-03-10. Review status: criteria provided, single submitter. Criteria: LabCorp Variant Classification Summary - May 2015. Collection method: clinical testing. Allele origin: germline.
Comment: Variant summary: ARSA c.1283C>T (p.Pro428Leu) results in a non-conservative amino acid change in the encoded protein sequence. Four of four in-silico tools predict a damaging effect of the variant on protein function. The variant allele was found at a frequency of 0.0004 in 268786 control chromosomes. c.1283C>T has been reported in the literature in multiple individuals affected with Metachromatic Leukodystrophy (Polten_1991, Barth_1993). These data indicate that the variant is very likely to be associated with disease. A functional study, Polten_1991, found the enzymatic activity to be <10% of normal activity. Five ClinVar submissions from clinical diagnostic laboratories (evaluation after 2014) cite the variant as pathogenic. Based on the evidence outlined above, the variant was classified as pathogenic.

Genetic Services Laboratory, University of Chicago
Classification: Pathogenic for Metachromatic leukodystrophy. Last evaluated: 2016-02-11. Review status: criteria provided, single submitter. Criteria: ACMG Guidelines, 2015. Collection method: clinical testing. Allele origin: germline. Affected: yes.

Eurofins Ntd Llc (ga)
Classification: Pathogenic. Last evaluated: 2015-08-06. Review status: criteria provided, single submitter. Criteria: EGL Classification Definitions 2015. Collection method: clinical testing. Allele origin: germline. Observed: 10 variant alleles, 10 heterozygotes.

Baylor Genetics
Classification: Pathogenic for Metachromatic leukodystrophy. Review status: criteria provided, single submitter. Criteria: ACMG Guidelines, 2015. Collection method: clinical testing. Allele origin: germline.

Centre de Biologie Pathologie Génétique, Centre Hospitalier Universitaire de Lille
Classification: Uncertain significance for Intellectual disability. Last evaluated: 2019-01-01. Review status: no assertion criteria provided. Collection method: clinical testing. Allele origin: unknown. Affected: yes. Not counted in ClinVar's aggregate classification.

OMIM
Classification: Pathogenic for METACHROMATIC LEUKODYSTROPHY, JUVENILE. Last evaluated: 1997-01-01. Review status: no assertion criteria provided. Collection method: literature only. Allele origin: germline. Not counted in ClinVar's aggregate classification.

OMIM
Classification: Pathogenic for ARYLSULFATASE A, ALLELE A. Last evaluated: 1997-01-01. Review status: no assertion criteria provided. Collection method: literature only. Allele origin: germline. Not counted in ClinVar's aggregate classification.

OMIM
Classification: Pathogenic for METACHROMATIC LEUKODYSTROPHY, ADULT. Last evaluated: 1997-01-01. Review status: no assertion criteria provided. Collection method: literature only. Allele origin: germline. Not counted in ClinVar's aggregate classification.

Clinical Genetics DNA and cytogenetics Diagnostics Lab, Erasmus MC, Erasmus Medical Center
Classification: Pathogenic. Review status: no assertion criteria provided. Collection method: clinical testing. Allele origin: germline. Affected: yes. Study: VKGL Data-share Consensus. Not counted in ClinVar's aggregate classification.

Clinical Genetics, Academic Medical Center
Classification: Pathogenic. Review status: no assertion criteria provided. Collection method: clinical testing. Allele origin: germline. Affected: yes. Study: VKGL Data-share Consensus. Not counted in ClinVar's aggregate classification.

Diagnostic Laboratory, Department of Genetics, University Medical Center Groningen
Classification: Pathogenic. Review status: no assertion criteria provided. Collection method: clinical testing. Allele origin: germline. Affected: yes. Study: VKGL Data-share Consensus. Not counted in ClinVar's aggregate classification.

Gelb Laboratory, University of Washington
No classification provided (evidence only). Condition: Metachromatic leukodystrophy. Review status: no classification provided. Collection method: in vitro. Allele origin: not applicable. Functional consequence: loss of function. Not counted in ClinVar's aggregate classification.

GeneReviews
No classification provided. Condition: Metachromatic leukodystrophy. Review status: no classification provided. Collection method: literature only. Allele origin: germline. Not counted in ClinVar's aggregate classification.

Genome Diagnostics Laboratory, Amsterdam University Medical Center
Classification: Pathogenic. Review status: no assertion criteria provided. Collection method: clinical testing. Allele origin: germline. Affected: yes. Study: VKGL Data-share Consensus. Not counted in ClinVar's aggregate classification.

Genome Diagnostics Laboratory, University Medical Center Utrecht
Classification: Pathogenic. Review status: no assertion criteria provided. Collection method: clinical testing. Allele origin: germline. Affected: yes. Study: VKGL Data-share Consensus. Not counted in ClinVar's aggregate classification.

Joint Genome Diagnostic Labs from Nijmegen and Maastricht, Radboudumc and MUMC+
Classification: Pathogenic. Review status: no assertion criteria provided. Collection method: clinical testing. Allele origin: germline. Affected: yes. Study: VKGL Data-share Consensus. Not counted in ClinVar's aggregate classification.

Laboratory of Diagnostic Genome Analysis, Leiden University Medical Center (LUMC)
Classification: Pathogenic. Review status: no assertion criteria provided. Collection method: clinical testing. Allele origin: germline. Affected: yes. Study: VKGL Data-share Consensus. Not counted in ClinVar's aggregate classification.

Literature cited by the submitters: PubMed 40751594 (cited by Dasa); PubMed 36240581 (cited by 3 submitters); PubMed 32632536 (cited by Dasa); PubMed 1670590 (cited by 5 submitters); PubMed 9090526 (cited by 3 submitters); PubMed 9096767 (cited by 3 submitters); PubMed 11941485 (cited by Labcorp Genetics (formerly Invitae), Labcorp and Athena Diagnostics); PubMed 26462614 (cited by 4 submitters); PubMed 11777924 (cited by 4 submitters); PubMed 27289174 (cited by Athena Diagnostics); PubMed 31186049 (cited by Athena Diagnostics and 3billion); PubMed 31967741 (cited by Athena Diagnostics); PubMed 29915382 (cited by Athena Diagnostics); PubMed 20339381 (cited by Athena Diagnostics and Myriad Genetics, Inc.); PubMed 33855715 (cited by Athena Diagnostics); PubMed 36100438 (cited by Athena Diagnostics); PubMed 38564053 (cited by Athena Diagnostics); PubMed 37212343 (cited by Athena Diagnostics); PubMed 38330194 (cited by Athena Diagnostics); PubMed 7866401 (cited by 3billion and Eurofins Ntd Llc (ga)); PubMed 8095918 (cited by Myriad Genetics, Inc. and OMIM); PubMed 1671769 (cited by OMIM); NCBI Bookshelf NBK1130 (cited by GeneReviews); NCBI Bookshelf NBK9090526 (cited by GeneReviews); NCBI Bookshelf NBK15952986 (cited by GeneReviews); NCBI Bookshelf NBK16140556 (cited by GeneReviews); NCBI Bookshelf NBK9096767 (cited by GeneReviews); NCBI Bookshelf NBK1670590 (cited by GeneReviews); NCBI Bookshelf NBK19606494 (cited by GeneReviews).